The following is an entry in ClinVar:

ClinVar aggregate classification (germline): Uncertain significance (1 of 4 stars; one submission).

Conditions:
Nemaline myopathy 6 (NEM6). Also called: Nemaline myopathy 6, autosomal dominant. Identifiers: Orphanet 171439, MedGen C1836472, MONDO:0012237, OMIM 609273.

gnomAD v4.1: 31 of 1,403,586 alleles (0.0022%); highest among the groups gnomAD compares: Non-Finnish European, 0.0029%; no homozygotes.

Submission:

Labcorp Genetics (formerly Invitae), Labcorp
Classification: Uncertain significance for Nemaline myopathy 6. Last evaluated: 2025-02-27. Review status: criteria provided, single submitter. Criteria: Invitae Variant Classification Sherloc (09022015). Collection method: clinical testing. Allele origin: germline.
Comment: This sequence change replaces valine, which is neutral and non-polar, with methionine, which is neutral and non-polar, at codon 149 of the KBTBD13 protein (p.Val149Met). This variant is present in population databases (no rsID available, gnomAD 0.007%). This variant has not been reported in the literature in individuals affected with KBTBD13-related conditions. Invitae Evidence Modeling of protein sequence and biophysical properties (such as structural, functional, and spatial information, amino acid conservation, physicochemical variation, residue mobility, and thermodynamic stability) indicates that this missense variant is not expected to disrupt KBTBD13 protein function with a negative predictive value of 80%. In summary, the available evidence is currently insufficient to determine the role of this variant in disease. Therefore, it has been classified as a Variant of Uncertain Significance.

NM_001101362.3(KBTBD13):c.445G>A (p.Val149Met)

Gene: KBTBD13 (kelch repeat and BTB domain containing 13; plus strand). Cytogenetic location: 15q22.31.
Variant type: single nucleotide variant.
Coding change: c.445G>A on transcript NM_001101362.3 (MANE Select); coding-DNA position 445, G replaced by A.
Protein change: p.Val149Met; replaces valine 149 with methionine.
Molecular consequence: missense variant.
Genome position (GRCh38, 1-based): chr15:65,077,260, G>A. VCF-style: chr15-65077260-G-A. GRCh37 (hg19) VCF-style: chr15-65369598-G-A.
Other names: short protein forms V149M.
Identifiers: ClinVar variation 4738547 (VCV004738547.1).